The following is an entry in ClinVar:

ClinVar aggregate classification (germline): Pathogenic (1 of 4 stars; one submission).

Conditions:
Hereditary cancer-predisposing syndrome. Also called: Hereditary Cancer Syndrome; Hereditary neoplastic syndrome; Neoplastic Syndromes, Hereditary; Tumor predisposition. Identifiers: Orphanet 140162, MedGen C0027672, MeSH D009386, MONDO:0015356.

Submission:

Ambry Genetics
Classification: Pathogenic for Hereditary cancer-predisposing syndrome. Last evaluated: 2024-01-04. Review status: criteria provided, single submitter. Criteria: Ambry Variant Classification Scheme 2023. Collection method: clinical testing. Allele origin: germline.
Comment: The c.129_132+5delAATGGTGAGinsGAGC pathogenic mutation spans across the coding exon 1/intron 1 boundary of the FH gene, and results from a deletion of AATGGTGAG and an insertion of GAGC at nucleotide positions 129 through 132+5. The deleted region includes the canonical donor site, which is highly conserved in available vertebrate species. This alteration has been observed in at least one individual with a personal and/or family history that is consistent with FH-related disease (Ambry internal data). This variant is considered to be rare based on population cohorts in the Genome Aggregation Database (gnomAD). In silico splice site analysis predicts that this alteration will weaken the native splice donor site, however direct evidence is insufficient at this time (Ambry internal data). Alterations that disrupt the canonical splice site are expected to cause aberrant splicing, resulting in an abnormal protein or a transcript that is subject to nonsense-mediated mRNA decay. As such, this alteration is classified as a disease-causing mutation.

NM_000143.4(FH):c.129_132+5delinsGAGC

Gene: FH (fumarate hydratase; minus strand). Cytogenetic location: 1q43.
Variant type: Indel.
Coding change: c.129_132+5delinsGAGC on transcript NM_000143.4 (MANE Select); coding-DNA position 129 through 5 bases into the intron after coding-DNA position 132, AATGGTGAG replaced by GAGC.
Molecular consequence: splice donor variant.
Genome position (GRCh38, 1-based): chr1:241,519,586-241,519,594, CTCACCATT replaced by GCTC on the plus strand (AATGGTGAG replaced by GAGC on the coding strand, the reverse complement: FH is on the minus strand). VCF-style: chr1-241519586-CTCACCATT-GCTC. GRCh37 (hg19) VCF-style: chr1-241682886-CTCACCATT-GCTC.
Identifiers: ClinVar variation 1769075 (VCV001769075.2), dbSNP rs2527344866, ClinGen allele CA2580063555.